The following is an entry in ClinVar:

NM_000388.4(CASR):c.355A>G (p.Lys119Glu)

Gene: CASR (calcium sensing receptor; plus strand). Cytogenetic location: 3q21.1.
Variant type: single nucleotide variant.
Coding change: c.355A>G on transcript NM_000388.4 (MANE Select); coding-DNA position 355, A replaced by G.
Protein change: p.Lys119Glu; replaces lysine 119 with glutamic acid.
Molecular consequence: missense variant.
Genome position (GRCh38, 1-based): chr3:122,257,250, A>G. VCF-style: chr3-122257250-A-G. GRCh37 (hg19) VCF-style: chr3-121976097-A-G.
Other names: c.355A>G, p.Lys119Glu (NM_001178065.2); short protein forms K119E.
Identifiers: ClinVar variation 1732677 (VCV001732677.2), dbSNP rs2473214772, ClinGen allele CA354362717.

ClinVar aggregate classification (germline): Uncertain significance (1 of 4 stars; one submission).

Conditions:
Nephrolithiasis/nephrocalcinosis. Identifiers: MedGen CN580796.

Submission:

Ambry Genetics
Classification: Uncertain significance for Nephrolithiasis/nephrocalcinosis. Last evaluated: 2021-12-21. Review status: criteria provided, single submitter. Criteria: Ambry Variant Classification Scheme 2023. Collection method: clinical testing. Allele origin: germline.
Comment: The p.K119E variant (also known as c.355A>G), located in coding exon 2 of the CASR gene, results from an A to G substitution at nucleotide position 355. The lysine at codon 119 is replaced by glutamic acid, an amino acid with similar properties. This amino acid position is conserved. In addition, this alteration is predicted to be deleterious by in silico analysis. Since supporting evidence is limited at this time, the clinical significance of this alteration remains unclear.